The following is an entry in ClinVar:

NM_133261.3(GIPC3):c.132G>C (p.Ala44=)

Gene: GIPC3 (GIPC PDZ domain containing family member 3; plus strand). Cytogenetic location: 19p13.3.
Variant type: single nucleotide variant.
Coding change: c.132G>C on transcript NM_133261.3 (MANE Select); coding-DNA position 132, G replaced by C.
Protein change: p.Ala44=; no amino-acid change (alanine 44 retained).
Molecular consequence: synonymous variant.
Genome position (GRCh38, 1-based): chr19:3,585,729, G>C. VCF-style: chr19-3585729-G-C. GRCh37 (hg19) VCF-style: chr19-3585727-G-C.
Identifiers: ClinVar variation 227377 (VCV000227377.20), dbSNP rs80060313, ClinGen allele CA9080329.

ClinVar aggregate classification (germline): Benign/Likely benign. Review status: criteria provided, multiple submitters, no conflicts (2 of 4 stars). 6 submissions from 6 submitters: Benign (1); Likely benign (5). Last evaluated 2026-01-28.

Allele frequency attached by ClinVar (database versions not stated): gnomAD exomes 0.00021; ExAC 0.00026; 1000 Genomes Project 30x 0.00094; 1000 Genomes Project 0.00100; ESP Exome Variant Server 0.00170; gnomAD 0.00172 and 0.00180; TOPMed 0.00181.
gnomAD v4.1: 477 of 1,531,040 alleles (0.031%); highest among the groups gnomAD compares: African/African-American, 0.62%; 1 homozygote.

Submissions (6):

Labcorp Genetics (formerly Invitae), Labcorp
Classification: Benign. Last evaluated: 2026-01-28. Review status: criteria provided, single submitter. Criteria: Invitae Variant Classification Sherloc (09022015). Collection method: clinical testing. Allele origin: germline.

Blueprint Genetics
Classification: Likely benign. Last evaluated: 2024-11-06. Review status: criteria provided, single submitter. Criteria: ACMG Guidelines, 2015. Collection method: clinical testing. Allele origin: germline.

GeneDx
Classification: Likely benign. Last evaluated: 2021-02-25. Review status: criteria provided, single submitter. Criteria: GeneDx Variant Classification Process June 2021. Collection method: clinical testing. Allele origin: germline. Affected: yes.

Eurofins Ntd Llc (ga)
Classification: Likely benign. Last evaluated: 2018-04-03. Review status: criteria provided, single submitter. Criteria: EGL ClinVar v180209 classification definitions. Collection method: clinical testing. Allele origin: germline. Observed: 1 variant allele, 1 heterozygote.

Laboratory for Molecular Medicine, Mass General Brigham Personalized Medicine
Classification: Likely benign. Last evaluated: 2015-08-11. Review status: criteria provided, single submitter. Criteria: LMM Criteria. Collection method: clinical testing. Allele origin: germline. Observed: 2 variant alleles.
Comment: p.Ala44Ala in Exon 01 of GIPC3: This variant is not expected to have clinical si gnificance because it does not alter an amino acid residue and it is not located within the splice consensus sequence. This variant has been identified in 3/31 8 African chromosomes by the Exome Aggregation Consortium (ExAC; dbSNP rs80060313).

Breakthrough Genomics
Classification: Likely benign. Review status: criteria provided, single submitter. Criteria: ACMG Guidelines, 2015. Collection method: not provided. Allele origin: germline. Inheritance: Autosomal recessive inheritance. Affected: yes.